The following is an entry in ClinVar:

ClinVar aggregate classification (germline): Uncertain significance. Review status: criteria provided, multiple submitters, no conflicts (2 of 4 stars). 2 submissions from 2 submitters: Uncertain significance (2). Last evaluated 2023-03-29.

Conditions:
Inborn genetic diseases. Identifiers: MedGen C0950123, MeSH D030342.

gnomAD v4.1: 14 of 1,614,100 alleles (0.00087%); highest among the groups gnomAD compares: East Asian, 0.031%; no homozygotes.

Submissions (2):

Ambry Genetics
Classification: Uncertain significance for Inborn genetic diseases. Last evaluated: 2023-03-29. Review status: criteria provided, single submitter. Criteria: Ambry Variant Classification Scheme 2023. Collection method: clinical testing. Allele origin: germline.

Labcorp Genetics (formerly Invitae), Labcorp
Classification: Uncertain significance. Last evaluated: 2021-09-01. Review status: criteria provided, single submitter. Criteria: Invitae Variant Classification Sherloc (09022015). Collection method: clinical testing. Allele origin: germline.
Comment: This sequence change replaces valine with leucine at codon 226 of the EXTL3 protein (p.Val226Leu). The valine residue is moderately conserved and there is a small physicochemical difference between valine and leucine. This variant is present in population databases (rs531742587, ExAC 0.1%). This variant has not been reported in the literature in individuals affected with EXTL3-related conditions. Algorithms developed to predict the effect of missense changes on protein structure and function (SIFT, PolyPhen-2, Align-GVGD) all suggest that this variant is likely to be tolerated. In summary, the available evidence is currently insufficient to determine the role of this variant in disease. Therefore, it has been classified as a Variant of Uncertain Significance.

NM_001440.4(EXTL3):c.676G>C (p.Val226Leu)

Gene: EXTL3 (exostosin like glycosyltransferase 3; plus strand). Cytogenetic location: 8p21.1.
Variant type: single nucleotide variant.
Coding change: c.676G>C on transcript NM_001440.4 (MANE Select); coding-DNA position 676, G replaced by C.
Protein change: p.Val226Leu; replaces valine 226 with leucine.
Molecular consequence: missense variant.
Genome position (GRCh38, 1-based): chr8:28,716,735, G>C. VCF-style: chr8-28716735-G-C. GRCh37 (hg19) VCF-style: chr8-28574252-G-C.
Other names: c.676G>C (NM_001440.2); short protein forms V226L.
Identifiers: ClinVar variation 1497197 (VCV001497197.8), dbSNP rs531742587, ClinGen allele CA4696042.
Genomic context (GRCh38, chr8:28,716,735, plus strand): 5'-TTTGGCAGCTACCTGGATCCCTTGGTCAAGCAGGCTTTTCAGGCGACAGCACGAGCTAAC[G>C]TTTATGTTACAGAAAATGCAGACATCGCCTGCCTTTACGTGATACTAGTGGGAGAGATGC-3'
Protein context (NP_001431.1, residues 216-236): QAFQATARAN[Val226Leu]YVTENADIAC